The following is an entry in ClinVar:

ClinVar aggregate classification (germline): Uncertain significance (1 of 4 stars; one submission).

Conditions:
Inborn genetic diseases. Identifiers: MedGen C0950123, MeSH D030342.

gnomAD v4.1: 7 of 1,608,148 alleles (0.00044%); highest among the groups gnomAD compares: East Asian, 0.0022%; no homozygotes.

Submission:

Ambry Genetics
Classification: Uncertain significance for Inborn genetic diseases. Last evaluated: 2025-03-18. Review status: criteria provided, single submitter. Criteria: Ambry Variant Classification Scheme 2023. Collection method: clinical testing. Allele origin: germline.
Comment: The p.D1155N variant (also known as c.3463G>A), located in coding exon 16 of the MECOM gene, results from a G to A substitution at nucleotide position 3463. The aspartic acid at codon 1155 is replaced by asparagine, an amino acid with highly similar properties. This amino acid position is conserved. In addition, this alteration is predicted to be tolerated by in silico analysis. Based on the available evidence, the clinical significance of this variant remains unclear.

NM_004991.4(MECOM):c.3463G>A (p.Asp1155Asn)

Gene: MECOM (MDS1 and EVI1 complex locus; minus strand). Cytogenetic location: 3q26.2.
Variant type: single nucleotide variant.
Coding change: c.3463G>A on transcript NM_004991.4 (MANE Select); coding-DNA position 3463, G replaced by A.
Protein change: p.Asp1155Asn; replaces aspartic acid 1155 with asparagine.
Molecular consequence: missense variant.
Genome position (GRCh38, 1-based): chr3:169,089,122, C>T on the plus strand (G>A on the coding strand, the complement: MECOM is on the minus strand). VCF-style: chr3-169089122-C-T. GRCh37 (hg19) VCF-style: chr3-168806910-C-T.
Other names: c.3094G>A, p.Asp1032Asn (NM_001105077.4); c.2899G>A, p.Asp967Asn (NM_001105078.4, NM_001205194.2, NM_001366469.2 and 1 more transcripts); c.2875G>A, p.Asp959Asn (NM_001163999.2, NM_001366470.2); c.2872G>A, p.Asp958Asn (NM_001164000.2, NM_001366471.2, NM_001366472.2); c.3436G>A, p.Asp1146Asn (NM_001366466.2); c.2902G>A, p.Asp968Asn (NM_001366467.2, NM_001366468.2); c.2464G>A, p.Asp822Asn (NM_001366473.2); c.1900G>A, p.Asp634Asn (NM_001366474.2); short protein forms D1146N, D634N, D822N, D1032N, D1155N, D958N, D967N, D968N.
Identifiers: ClinVar variation 4053080 (VCV004053080.1).